The following is an entry in ClinVar:

NM_021957.4(GYS2):c.1406G>A (p.Arg469His)

Genes: GYS2 (glycogen synthase 2; minus strand), LOC126861480 (CDK7 strongly-dependent group 2 enhancer GRCh37_chr12:21710858-21712057; plus strand). Cytogenetic location: 12p12.1.
Variant type: single nucleotide variant.
Coding change: c.1406G>A on transcript NM_021957.4 (MANE Select); coding-DNA position 1406, G replaced by A.
Protein change: p.Arg469His; replaces arginine 469 with histidine.
Molecular consequence: missense variant.
Genome position (GRCh38, 1-based): chr12:21,558,216, C>T on the plus strand (G>A on the coding strand, the complement: GYS2 is on the minus strand). VCF-style: chr12-21558216-C-T. GRCh37 (hg19) VCF-style: chr12-21711150-C-T.
Other names: c.1406G>A (NM_021957.3); short protein forms R469H.
Identifiers: ClinVar variation 4915880 (VCV004915880.2).

ClinVar aggregate classification (germline): Uncertain significance. Review status: criteria provided, multiple submitters, no conflicts (2 of 4 stars). 2 submissions from 2 submitters: Uncertain significance (2). Last evaluated 2026-04-24.

gnomAD v4.1: 248 of 1,602,550 alleles (0.015%); highest among the groups gnomAD compares: Middle Eastern, 0.033%; no homozygotes.

Submissions (2):

GeneDx
Classification: Uncertain significance. Last evaluated: 2026-04-24. Review status: criteria provided, single submitter. Criteria: GeneDx Variant Classification Process June 2021. Collection method: clinical testing. Allele origin: germline.
Comment: In silico analysis suggests that this missense variant does not alter protein structure/function; Has not been previously published as pathogenic or benign to our knowledge

Blueprint Genetics
Classification: Uncertain significance. Last evaluated: 2024-11-20. Review status: criteria provided, single submitter. Criteria: ACMG Guidelines, 2015. Collection method: clinical testing. Allele origin: germline.